The following is an entry in ClinVar:

ClinVar aggregate classification (germline): Pathogenic (1 of 4 stars; one submission).

Submission:

Labcorp Genetics (formerly Invitae), Labcorp
Classification: Pathogenic. Last evaluated: 2023-10-13. Review status: criteria provided, single submitter. Criteria: Invitae Variant Classification Sherloc (09022015). Collection method: clinical testing. Allele origin: unknown.
Comment: This variant is a gross deletion of the genomic region encompassing exon(s) 1-4 of the TUBGCP6 gene, which includes the initiator codon. This deletion extends beyond the assayed region for this gene and therefore may encompass additional genes. It is expected to result in an absent or disrupted protein product. Loss-of-function variants in TUBGCP6 are known to be pathogenic (PMID: 25344692). This variant has not been reported in the literature in individuals affected with TUBGCP6-related conditions. For these reasons, this variant has been classified as Pathogenic.

Literature cited by the submitters: PubMed 25344692.

NC_000022.10:g.(?_50667813)_(50682888_?)del

Gene: TUBGCP6 (tubulin gamma complex component 6; minus strand). Cytogenetic location: 22q13.33.
Variant type: Deletion.
Identifiers: ClinVar variation 3248131 (VCV003248131.1).